The following is an entry in ClinVar:

NM_198253.3(TERT):c.2075C>G (p.Thr692Ser)

Gene: TERT (telomerase reverse transcriptase; minus strand). Cytogenetic location: 5p15.33.
Variant type: single nucleotide variant.
Coding change: c.2075C>G on transcript NM_198253.3 (MANE Select); coding-DNA position 2075, C replaced by G.
Protein change: p.Thr692Ser; replaces threonine 692 with serine.
Molecular consequence: missense variant. On other transcripts: non-coding transcript variant (2).
Genome position (GRCh38, 1-based): chr5:1,279,346, G>C on the plus strand (C>G on the coding strand, the complement: TERT is on the minus strand). VCF-style: chr5-1279346-G-C. GRCh37 (hg19) VCF-style: chr5-1279461-G-C.
Other names: c.2075C>G, p.Thr692Ser (NM_001193376.3); short protein forms T692S.
Identifiers: ClinVar variation 3967323 (VCV003967323.1).

ClinVar aggregate classification (germline): Uncertain significance (1 of 4 stars; one submission).

Conditions:
Dyskeratosis congenita. Identifiers: Orphanet 1775, MedGen C0265965, MONDO:0015780.

Submission:

Ambry Genetics
Classification: Uncertain significance for Dyskeratosis congenita. Last evaluated: 2025-03-25. Review status: criteria provided, single submitter. Criteria: Ambry Variant Classification Scheme 2023. Collection method: clinical testing. Allele origin: germline.
Comment: The p.T692S variant (also known as c.2075C>G), located in coding exon 5 of the TERT gene, results from a C to G substitution at nucleotide position 2075. The threonine at codon 692 is replaced by serine, an amino acid with similar properties. This amino acid position is conserved. In addition, this alteration is predicted to be tolerated by in silico analysis. Based on the available evidence, the clinical significance of this variant remains unclear.